The following is an entry in ClinVar:

NM_025137.4(SPG11):c.5450A>G (p.Glu1817Gly)

Gene: SPG11 (SPG11 vesicle trafficking associated, spatacsin; minus strand). Cytogenetic location: 15q21.1.
Variant type: single nucleotide variant.
Coding change: c.5450A>G on transcript NM_025137.4 (MANE Select); coding-DNA position 5450, A replaced by G.
Protein change: p.Glu1817Gly; replaces glutamic acid 1817 with glycine.
Molecular consequence: missense variant.
Genome position (GRCh38, 1-based): chr15:44,584,230, T>C on the plus strand (A>G on the coding strand, the complement: SPG11 is on the minus strand). VCF-style: chr15-44584230-T-C. GRCh37 (hg19) VCF-style: chr15-44876428-T-C.
Other names: c.5450A>G, p.Glu1817Gly (NM_001160227.2); short protein forms E1817G.
Identifiers: ClinVar variation 1396576 (VCV001396576.5), dbSNP rs2082711302, ClinGen allele CA392222516.
Genomic context (GRCh38, chr15:44,584,230, plus strand): 5'-AAACTATCAAAGGAAAGTTCACCACTAGTTGAGATCTGTCGAGAAAATCTGGGCTCTGTT[T>C]CCTCCTGATTTCTTCCAAGAGTGTGCTGGGTGATGCGGCACAGCCAGATCTGCTTCTCCA-3'
Protein context (NP_079413.3, residues 1807-1827): TQHTLGRNQE[Glu1817Gly]TEPRFSRQIS

ClinVar aggregate classification (germline): Uncertain significance (1 of 4 stars; one submission).

Conditions:
Hereditary spastic paraplegia 11. Also called: Nakamura Osame syndrome; Autosomal recessive hereditary spastic paraplegia, mental impairment, and thin corpus callosum; SPASTIC PARAPLEGIA, AUTOSOMAL RECESSIVE, COMPLICATED, WITH THIN CORPUS CALLOSUM; SPASTIC PARAPLEGIA, AUTOSOMAL RECESSIVE, WITH MENTAL IMPAIRMENT AND THIN CORPUS CALLOSUM; Spastic paraplegia, mental retardation and thin corpus callosum; Spastic Paraplegia 11. Identifiers: Orphanet 2822, MedGen C1858479, MONDO:0011445, OMIM 604360.

Allele frequency attached by ClinVar (database versions not stated): TOPMed below 0.00001.

Submission:

Labcorp Genetics (formerly Invitae), Labcorp
Classification: Uncertain significance for Hereditary spastic paraplegia 11. Last evaluated: 2021-08-27. Review status: criteria provided, single submitter. Criteria: Invitae Variant Classification Sherloc (09022015). Collection method: clinical testing. Allele origin: germline.
Comment: This sequence change replaces glutamic acid with glycine at codon 1817 of the SPG11 protein (p.Glu1817Gly). The glutamic acid residue is moderately conserved and there is a moderate physicochemical difference between glutamic acid and glycine. This variant is not present in population databases (ExAC no frequency). This variant has not been reported in the literature in individuals affected with SPG11-related conditions. Algorithms developed to predict the effect of missense changes on protein structure and function (SIFT, PolyPhen-2, Align-GVGD) all suggest that this variant is likely to be tolerated. In summary, the available evidence is currently insufficient to determine the role of this variant in disease. Therefore, it has been classified as a Variant of Uncertain Significance.